The following is an entry in ClinVar:

NM_015662.3(IFT172):c.3819C>T (p.Ala1273=)

Genes: IFT172 (intraflagellar transport 172; minus strand), LOC126806173 (BRD4-independent group 4 enhancer GRCh37_chr2:27676057-27677256; plus strand). Cytogenetic location: 2p23.3.
Variant type: single nucleotide variant.
Coding change: c.3819C>T on transcript NM_015662.3 (MANE Select); coding-DNA position 3819, C replaced by T.
Protein change: p.Ala1273=; no amino-acid change (alanine 1273 retained).
Molecular consequence: synonymous variant.
Genome position (GRCh38, 1-based): chr2:27,453,632, G>A on the plus strand (C>T on the coding strand, the complement: IFT172 is on the minus strand). VCF-style: chr2-27453632-G-A. GRCh37 (hg19) VCF-style: chr2-27676499-G-A.
Other names: c.3753C>T, p.Ala1251= (NM_001410739.1); c.3819C>T (NM_015662.2).
Identifiers: ClinVar variation 2939421 (VCV002939421.4), dbSNP rs2465832326, ClinGen allele CA425608960.

ClinVar aggregate classification (germline): Likely benign. Review status: criteria provided, single submitter (1 of 4 stars). 2 submissions from 2 submitters: Likely benign (1). 1 of the submissions does not count toward it. Last evaluated 2024-09-21.

Conditions:
IFT172-related disorder. Also called: IFT172-related condition; IFT172-related disorders.
Retinitis pigmentosa 71 (RP71). Identifiers: Orphanet 791, MedGen C4225342, MONDO:0014618, OMIM 616394.
Short-rib thoracic dysplasia 10 with or without polydactyly (SRTD10). Identifiers: Orphanet 474, MedGen C3810175, MONDO:0014284, OMIM 615630.

Submissions (2):

Labcorp Genetics (formerly Invitae), Labcorp
Classification: Likely benign for Retinitis pigmentosa 71; Short-rib thoracic dysplasia 10 with or without polydactyly. Last evaluated: 2024-09-21. Review status: criteria provided, single submitter. Criteria: Invitae Variant Classification Sherloc (09022015). Collection method: clinical testing. Allele origin: germline.

PreventionGenetics, part of Exact Sciences
Classification: Likely benign for IFT172-related condition. Last evaluated: 2024-05-02. Review status: no assertion criteria provided. Collection method: clinical testing. Allele origin: germline. Not counted in ClinVar's aggregate classification.
Comment: This variant is classified as likely benign based on ACMG/AMP sequence variant interpretation guidelines (Richards et al. 2015 PMID: 25741868, with internal and published modifications).